The following is an entry in ClinVar:

NM_001844.5(COL2A1):c.2518-69T>C

Gene: COL2A1 (collagen type II alpha 1 chain; minus strand). Cytogenetic location: 12q13.11.
Variant type: single nucleotide variant.
Coding change: c.2518-69T>C on transcript NM_001844.5 (MANE Select); 69 bases into the intron before coding-DNA position 2518, T replaced by C.
Molecular consequence: intron variant.
Genome position (GRCh38, 1-based): chr12:47,980,730, A>G on the plus strand (T>C on the coding strand, the complement: COL2A1 is on the minus strand). VCF-style: chr12-47980730-A-G. GRCh37 (hg19) VCF-style: chr12-48374513-A-G.
Other names: c.2311-69T>C (NM_033150.3).
Identifiers: ClinVar variation 674857 (VCV000674857.2), dbSNP rs1635554, ClinGen allele CA13588307.
Genomic context (GRCh38, chr12:47,980,730, plus strand): 5'-GGAAGGAGGAAGCAGGTGAATGAGGGGCAGGCTAAAACCCTGGAGCTCTTCCAGAAGAGC[A>G]GGAGACTCTGTGAGTATCTGCGTGTGTGTCCTGGTCTGGACATGATGGTTCTATTAGTAT-3'

ClinVar aggregate classification (germline): Benign. Review status: criteria provided, multiple submitters, no conflicts (2 of 4 stars). 2 submissions from 2 submitters: Benign (2). Last evaluated 2018-06-14.

Allele frequency attached by ClinVar (database versions not stated): gnomAD 0.91183 and 0.91440; gnomAD exomes 0.91317; TOPMed 0.91959; 1000 Genomes Project 0.93530; 1000 Genomes Project 30x 0.93645.

Submissions (2):

GeneDx
Classification: Benign. Last evaluated: 2018-06-14. Review status: criteria provided, single submitter. Criteria: GeneDx Variant Classification (06012015). Collection method: clinical testing. Allele origin: germline. Affected: yes.
Comment: This variant is considered likely benign or benign based on one or more of the following criteria: it is a conservative change, it occurs at a poorly conserved position in the protein, it is predicted to be benign by multiple in silico algorithms, and/or has population frequency not consistent with disease.

Breakthrough Genomics
Classification: Benign. Review status: criteria provided, single submitter. Criteria: ACMG Guidelines, 2015. Collection method: not provided. Allele origin: germline. Inheritance: Autosomal dominant inheritance. Affected: yes.